The following is an entry in ClinVar:

ClinVar aggregate classification (germline): Conflicting classifications of pathogenicity. Review status: criteria provided, conflicting classifications (1 of 4 stars). 6 submissions from 6 submitters: Uncertain significance (3); Benign (1); Likely benign (2). Last evaluated 2026-02-18.

Conditions:
Hereditary cancer-predisposing syndrome. Also called: Tumor predisposition; Hereditary Cancer Syndrome; Neoplastic Syndromes, Hereditary; Hereditary neoplastic syndrome. Identifiers: Orphanet 140162, MedGen C0027672, MeSH D009386, MONDO:0015356.
Familial cancer of breast. Also called: Hereditary breast cancer; BREAST CANCER, FAMILIAL; hereditary breast carcinoma. Identifiers: Orphanet 227535, MedGen C0346153, MONDO:0016419, OMIM 114480. Disease mechanism: loss of function.

Submissions (6):

Ambry Genetics
Classification: Uncertain significance for Hereditary cancer-predisposing syndrome. Last evaluated: 2026-02-18. Review status: criteria provided, single submitter. Criteria: Ambry Variant Classification Scheme 2023. Collection method: clinical testing. Allele origin: germline.
Comment: The c.885A>G variant (also known as p.E295E), located in coding exon 7 of the CHEK2 gene, results from an A to G substitution at nucleotide position 885. This nucleotide substitution does not change the glutamic acid at codon 295. This nucleotide position is well conserved in available vertebrate species. In silico splice site analysis for this alteration is inconclusive. RNA splicing analysis demonstrated this variant results in an incomplete splicing impact (Sanoguera-Miralles L et al. J Pathol, 2024 Apr;262:395-409). Based on the available evidence, the clinical significance of this variant remains unclear.

Myriad Genetics, Inc.
Classification: Benign for Familial cancer of breast. Last evaluated: 2024-10-03. Review status: criteria provided, single submitter. Criteria: Myriad Autosomal Dominant, Autosomal Recessive and X-Linked Classification Criteria (2023). Collection method: clinical testing. Allele origin: unknown.
Comment: This variant is considered benign. This variant is a silent/synonymous amino acid change and it is not expected to impact splicing.

GeneDx
Classification: Uncertain significance. Last evaluated: 2024-05-06. Review status: criteria provided, single submitter. Criteria: GeneDx Variant Classification Process June 2021. Collection method: clinical testing. Allele origin: germline. Affected: yes.
Comment: Published functional studies demonstrate increased production of aberrant transcripts compared to wildtype, but with retained production of the full length transcript in a minigene assay; the clinical significance of these results is unclear (PMID: 38332730); Not observed at significant frequency in large population cohorts (gnomAD); In silico analysis indicates that this variant does not alter splicing; This variant is associated with the following publications: (PMID: 38332730)

Labcorp Genetics (formerly Invitae), Labcorp
Classification: Likely benign for Familial cancer of breast. Last evaluated: 2024-04-22. Review status: criteria provided, single submitter. Criteria: Invitae Variant Classification Sherloc (09022015). Collection method: clinical testing. Allele origin: germline.

Sema4
Classification: Uncertain significance for Hereditary cancer-predisposing syndrome. Last evaluated: 2021-11-16. Review status: criteria provided, single submitter. Criteria: Sema4 Curation Guidelines. Collection method: curation. Allele origin: germline.
Comment: The CHEK2 c.885A>G (p.E295=) variant has not been reported in the literature to our knowledge. It was not observed in the large and broad cohorts of the Genome Aggregation Database (PMID: 32461654). The variant has been reported in ClinVar (Variation ID 530222). In silico tools suggest that the variant may have an impact on splicing, though these predictions have not been confirmed by functional studies. The evidence is insufficient to meet ACMG/AMP criteria for classifying the variant as benign or pathogenic. Thus, the clinical significance of this variant is currently uncertain.

Color Diagnostics, LLC DBA Color Health
Classification: Likely benign for Hereditary cancer-predisposing syndrome. Last evaluated: 2018-11-28. Review status: criteria provided, single submitter. Criteria: ACMG Guidelines, 2015. Collection method: clinical testing. Allele origin: germline.

Literature cited by the submitters: PubMed 38332730 (cited by Ambry Genetics).

NM_007194.4(CHEK2):c.885A>G (p.Glu295=)

Gene: CHEK2 (checkpoint kinase 2; minus strand). Cytogenetic location: 22q12.1.
Variant type: single nucleotide variant.
Coding change: c.885A>G on transcript NM_007194.4 (MANE Select); coding-DNA position 885, A replaced by G.
Protein change: p.Glu295=; no amino-acid change (glutamic acid 295 retained).
Molecular consequence: synonymous variant.
Genome position (GRCh38, 1-based): chr22:28,703,528, T>C on the plus strand (A>G on the coding strand, the complement: CHEK2 is on the minus strand). VCF-style: chr22-28703528-T-C. GRCh37 (hg19) VCF-style: chr22-29099516-T-C.
Other names: c.1014A>G, p.Glu338= (NM_001005735.3); c.222A>G, p.Glu74= (NM_001257387.3); c.684A>G, p.Glu228= (NM_001349956.3); c.885A>G, p.Glu295= (NM_145862.3).
Identifiers: ClinVar variation 530222 (VCV000530222.15), dbSNP rs1555916935, ClinGen allele CA513945078.